The following is an entry in ClinVar:

NM_002234.4(KCNA5):c.173G>T (p.Arg58Ile)

Gene: KCNA5 (potassium voltage-gated channel subfamily A member 5; plus strand). Cytogenetic location: 12p13.32.
Variant type: single nucleotide variant.
Coding change: c.173G>T on transcript NM_002234.4 (MANE Select); coding-DNA position 173, G replaced by T.
Protein change: p.Arg58Ile; replaces arginine 58 with isoleucine.
Molecular consequence: missense variant.
Genome position (GRCh38, 1-based): chr12:5,044,320, G>T. VCF-style: chr12-5044320-G-T. GRCh37 (hg19) VCF-style: chr12-5153486-G-T.
Other names: short protein forms R58I.
Identifiers: ClinVar variation 1426309 (VCV001426309.8), dbSNP rs1443253465, ClinGen allele CA383462039.

ClinVar aggregate classification (germline): Uncertain significance (1 of 4 stars; one submission).

Conditions:
Atrial fibrillation, familial, 7 (ATFB7). Identifiers: MedGen C2677106, MONDO:0012828, OMIM 612240.

Submission:

Labcorp Genetics (formerly Invitae), Labcorp
Classification: Uncertain significance for Atrial fibrillation, familial, 7. Last evaluated: 2020-12-21. Review status: criteria provided, single submitter. Criteria: Invitae Variant Classification Sherloc (09022015). Collection method: clinical testing. Allele origin: germline.
Comment: This sequence change replaces arginine with isoleucine at codon 58 of the KCNA5 protein (p.Arg58Ile). The arginine residue is weakly conserved and there is a moderate physicochemical difference between arginine and isoleucine. The frequency data for this variant in the population databases is considered unreliable, as metrics indicate insufficient coverage at this position in the ExAC database. This variant has not been reported in the literature in individuals with KCNA5-related conditions. Algorithms developed to predict the effect of missense changes on protein structure and function are either unavailable or do not agree on the potential impact of this missense change (SIFT: "Deleterious"; PolyPhen-2: "Benign"; Align-GVGD: "Class C0"). In summary, the available evidence is currently insufficient to determine the role of this variant in disease. Therefore, it has been classified as a Variant of Uncertain Significance.